The following is an entry in ClinVar:

NM_001126108.2(SLC12A3):c.1313A>G (p.Tyr438Cys)

Gene: SLC12A3 (solute carrier family 12 member 3; plus strand). Cytogenetic location: 16q13.
Variant type: single nucleotide variant.
Coding change: c.1313A>G on transcript NM_001126108.2 (MANE Select); coding-DNA position 1313, A replaced by G.
Protein change: p.Tyr438Cys; replaces tyrosine 438 with cysteine.
Molecular consequence: missense variant.
Genome position (GRCh38, 1-based): chr16:56,879,205, A>G. VCF-style: chr16-56879205-A-G. GRCh37 (hg19) VCF-style: chr16-56913117-A-G.
Other names: NP_000330.3:p.(Tyr438Cys); c.1313A>G, p.Tyr438Cys (NM_000339.3); c.1310A>G, p.Tyr437Cys (NM_001126107.2, NM_001410896.1); short protein forms Y437C, Y438C.
Identifiers: ClinVar variation 4813304 (VCV004813304.1).

ClinVar aggregate classification (germline): Likely pathogenic (1 of 4 stars; one submission).

Conditions:
Familial hypokalemia-hypomagnesemia (GTLMNS). Also called: POTASSIUM AND MAGNESIUM DEPLETION; HYPOMAGNESEMIA-HYPOKALEMIA, PRIMARY RENOTUBULAR, WITH HYPOCALCIURIA; gitelman syndrome. Identifiers: Orphanet 358, MedGen C0268450, MONDO:0009904, OMIM 263800.

Submission:

Clinical Genetics Unit, University of Padua
Classification: Likely pathogenic for Familial hypokalemia-hypomagnesemia. Last evaluated: 2025-01-01. Review status: criteria provided, single submitter. Criteria: ACMG Guidelines, 2015. Collection method: clinical testing. Allele origin: germline. Affected: yes. Observed: 1 variant allele.
Comment: This variant affects the EL4 of NCC (PM1); it is not present in gnomAD (PM2); it was reported in trans with NM_000339.3:c.2581C>T, a pathogenic variant (PM3); it is a missense variant, which is the most common loss-of-function mechanism in SLC12A3 (PP2).